The following is an entry in ClinVar:

ClinVar aggregate classification (germline): Uncertain significance (1 of 4 stars; one submission).

Conditions:
Autosomal recessive limb-girdle muscular dystrophy type 2A (LGMDR1). Also called: LEYDEN-MOEBIUS MUSCULAR DYSTROPHY; Limb-girdle muscular dystrophy, type 2A; Calpainopathy; MUSCULAR DYSTROPHY, PELVOFEMORAL; Muscular dystrophy, limb-girdle, type 2A, Amish. Identifiers: Orphanet 267, MedGen C1869123, MONDO:0009675, OMIM 253600. Disease mechanism: loss of function.
Muscular dystrophy, limb-girdle, autosomal dominant 4. Also called: MUSCULAR DYSTROPHY, LIMB-GIRDLE, TYPE 1I; Calpain-3-related limb-girdle muscular dystrophy D4. Identifiers: Orphanet 565909, MedGen C4748295, MONDO:0029133, OMIM 618129.

Submission:

Clinical Genomics Laboratory, Washington University in St. Louis
Classification: Uncertain significance for Autosomal recessive limb-girdle muscular dystrophy type 2A; Muscular dystrophy, limb-girdle, autosomal dominant 4. Last evaluated: 2025-03-13. Review status: criteria provided, single submitter. Criteria: ACMG Guidelines, 2015. Collection method: clinical testing. Allele origin: germline.
Comment: The CAPN3 c.1030-12delinsAAA variant, to our knowledge, has not been reported in the medical literature and is absent from the general population (gnomAD v.4.1.0), indicating it is not a common variant. Computational predictors indicate that this variant would alter splicing, evidence that correlates to an impact of the calpain-3 function. However, due to limited information, and based on the ClinGen Limb Girdle Muscular Dystrophy Expert Panel Specifications to the ACMG/AMP Variant Interpretation Guidelines for CAPN3, the clinical significance of this variant is uncertain at this time.

NM_000070.3(CAPN3):c.1030-12delinsAAA

Gene: CAPN3 (calpain 3; plus strand). Cytogenetic location: 15q15.1.
Variant type: Indel.
Coding change: c.1030-12delinsAAA on transcript NM_000070.3 (MANE Select); 12 bases into the intron before coding-DNA position 1030, T replaced by AAA.
Molecular consequence: intron variant.
Genome position (GRCh38, 1-based): chr15:42,394,244, T replaced by AAA. VCF-style: chr15-42394244-T-AAA. GRCh37 (hg19) VCF-style: chr15-42686442-T-AAA.
Other names: c.1030-12delinsAAA (NM_024344.2); c.886-12delinsAAA (NM_173087.2).
Identifiers: ClinVar variation 4279716 (VCV004279716.1).